The following is an entry in ClinVar:

NM_152564.5(VPS13B):c.4492C>G (p.Gln1498Glu)

Gene: VPS13B (vacuolar protein sorting 13 homolog B; plus strand). Cytogenetic location: 8q22.2.
Variant type: single nucleotide variant.
Coding change: c.4492C>G on transcript NM_152564.5 (MANE Select); coding-DNA position 4492, C replaced by G.
Protein change: p.Gln1498Glu; replaces glutamine 1498 with glutamic acid.
Molecular consequence: missense variant.
Genome position (GRCh38, 1-based): chr8:99,511,371, C>G. VCF-style: chr8-99511371-C-G. GRCh37 (hg19) VCF-style: chr8-100523599-C-G.
Other names: c.4567C>G (NM_017890.3); c.4567C>G, p.Gln1523Glu (NM_017890.5); short protein forms Q1498E, Q1523E.
Identifiers: ClinVar variation 2043459 (VCV002043459.3), dbSNP rs538237107, ClinGen allele CA182983306.

ClinVar aggregate classification (germline): Uncertain significance. Review status: criteria provided, multiple submitters, no conflicts (2 of 4 stars). 3 submissions from 3 submitters: Uncertain significance (2). 1 of the submissions does not count toward it. Last evaluated 2022-10-03.

Conditions:
VPS13B-related disorder. Also called: VPS13B-related condition.
Cohen syndrome (COH1). Also called: PEPPER SYNDROME; Cutis verticis gyrata, retinitis pigmentosa, and sensorineural deafness. Identifiers: Orphanet 193, MedGen C0265223, MONDO:0008999, OMIM 216550.

Allele frequency attached by ClinVar (database versions not stated): gnomAD 0.00001; gnomAD exomes 0.00002; TOPMed 0.00002.
gnomAD v4.1: 31 of 1,613,688 alleles (0.0019%); highest among the groups gnomAD compares: Non-Finnish European, 0.0026%; no homozygotes.

Submissions (3):

GeneDx
Classification: Uncertain significance. Last evaluated: 2022-10-03. Review status: criteria provided, single submitter. Criteria: GeneDx Variant Classification Process June 2021. Collection method: clinical testing. Allele origin: germline. Affected: yes.
Comment: Not observed at significant frequency in large population cohorts (gnomAD); In silico analysis supports that this missense variant does not alter protein structure/function; Has not been previously published as pathogenic or benign to our knowledge

Labcorp Genetics (formerly Invitae), Labcorp
Classification: Uncertain significance for Cohen syndrome. Last evaluated: 2022-07-22. Review status: criteria provided, single submitter. Criteria: Invitae Variant Classification Sherloc (09022015). Collection method: clinical testing. Allele origin: germline.
Comment: This sequence change replaces glutamine, which is neutral and polar, with glutamic acid, which is acidic and polar, at codon 1523 of the VPS13B protein (p.Gln1523Glu). This variant is present in population databases (rs538237107, gnomAD 0.002%). This variant has not been reported in the literature in individuals affected with VPS13B-related conditions. Algorithms developed to predict the effect of missense changes on protein structure and function are either unavailable or do not agree on the potential impact of this missense change (SIFT: "Not Available"; PolyPhen-2: "Possibly Damaging"; Align-GVGD: "Not Available"). In summary, the available evidence is currently insufficient to determine the role of this variant in disease. Therefore, it has been classified as a Variant of Uncertain Significance.

PreventionGenetics, part of Exact Sciences
Classification: Uncertain significance for VPS13B-related condition. Last evaluated: 2024-02-01. Review status: no assertion criteria provided. Collection method: clinical testing. Allele origin: germline. Not counted in ClinVar's aggregate classification.
Comment: The VPS13B c.4492C>G variant is predicted to result in the amino acid substitution p.Gln1498Glu. To our knowledge, this variant has not been reported in the literature. This variant is reported in 0.0016% of alleles in individuals of European (Non-Finnish) descent in gnomAD. At this time, the clinical significance of this variant is uncertain due to the absence of conclusive functional and genetic evidence.